The following is an entry in ClinVar:

NM_001009944.3(PKD1):c.4510del (p.Asp1504fs)

Gene: PKD1 (polycystin 1, transient receptor potential channel interacting; minus strand). Cytogenetic location: 16p13.3.
Variant type: Deletion.
Coding change: c.4510del on transcript NM_001009944.3 (MANE Select); coding-DNA position 4510, one base deleted (G; older notation c.4510delG).
Protein change: p.Asp1504fs; shifts the reading frame from aspartic acid 1504.
Molecular consequence: frameshift variant.
Genome position (GRCh38, 1-based): chr16:2,110,657, C deleted on the plus strand (G on the coding strand, the reverse complement: PKD1 is on the minus strand); the first of 5 consecutive C bases (chr16:2,110,657-2,110,661); deleting any one gives the same sequence. VCF-style (leftmost placement, unchanged base first): chr16-2110656-TC-T. GRCh37 (hg19) VCF-style: chr16-2160657-TC-T.
Other names: p.Asp1504Thrfs*30; c.4510del, p.Asp1504fs (NM_000296.4); short protein forms D1504fs.
Identifiers: ClinVar variation 2683675 (VCV002683675.1), dbSNP rs2544821112, ClinGen allele CA2697549594.

ClinVar aggregate classification (germline): Pathogenic (1 of 4 stars; one submission).

Submission:

Mayo Clinic Laboratories, Mayo Clinic
Classification: Pathogenic. Last evaluated: 2023-06-02. Review status: criteria provided, single submitter. Criteria: ACMG Guidelines, 2015. Collection method: clinical testing. Allele origin: germline. Observed: 2 variant alleles.
Comment: PM2_supporting, PVS1